The following is an entry in ClinVar:

NM_024884.3(L2HGDH):c.1271G>A (p.Gly424Glu)

Gene: L2HGDH (L-2-hydroxyglutarate dehydrogenase; minus strand). Cytogenetic location: 14q21.3.
Variant type: single nucleotide variant.
Coding change: c.1271G>A on transcript NM_024884.3 (MANE Select); coding-DNA position 1271, G replaced by A.
Protein change: p.Gly424Glu; replaces glycine 424 with glutamic acid.
Molecular consequence: missense variant.
Genome position (GRCh38, 1-based): chr14:50,247,179, C>T on the plus strand (G>A on the coding strand, the complement: L2HGDH is on the minus strand). VCF-style: chr14-50247179-C-T. GRCh37 (hg19) VCF-style: chr14-50713897-C-T.
Other names: short protein forms G424E.
Identifiers: ClinVar variation 1349354 (VCV001349354.9), dbSNP rs1888055214, ClinGen allele CA389647410.
Genomic context (GRCh38, chr14:50,247,179, plus strand): 5'-GTAGCAGCAGGAGAAGGTGCATTTCTCACATGAAGAATGCGATTTCCAATATCCCCAACT[C>T]CTGCATCAAATACAAAATCTTCTACCAGATTTCCATCTCTATCCAGGGCCTGGGCTCTTA-3'
Protein context (NP_079160.1, residues 414-434): NLVEDFVFDA[Gly424Glu]VGDIGNRILH

ClinVar aggregate classification (germline): Uncertain significance. Review status: criteria provided, multiple submitters, no conflicts (2 of 4 stars). 2 submissions from 2 submitters: Uncertain significance (2). Last evaluated 2021-12-02.

Conditions:
L-2-hydroxyglutaric aciduria (L2HGA). Identifiers: Orphanet 79314, MedGen C1855995, MONDO:0009370, OMIM 236792, HP:0040144.

Allele frequency attached by ClinVar (database versions not stated): TOPMed below 0.00001.
gnomAD v4.1: 1 of 1,614,170 alleles (0.000062%); highest among the groups gnomAD compares: Admixed American, 0.0017%; no homozygotes.

Submissions (2):

Labcorp Genetics (formerly Invitae), Labcorp
Classification: Uncertain significance for L-2-hydroxyglutaric aciduria. Last evaluated: 2021-12-02. Review status: criteria provided, single submitter. Criteria: Invitae Variant Classification Sherloc (09022015). Collection method: clinical testing. Allele origin: germline.
Comment: Algorithms developed to predict the effect of missense changes on protein structure and function are either unavailable or do not agree on the potential impact of this missense change (SIFT: "Deleterious"; PolyPhen-2: "Probably Damaging"; Align-GVGD: "Class C0"). This variant has not been reported in the literature in individuals affected with L2HGDH-related conditions. This variant is not present in population databases (gnomAD no frequency). In summary, the available evidence is currently insufficient to determine the role of this variant in disease. Therefore, it has been classified as a Variant of Uncertain Significance. This sequence change replaces glycine, which is neutral and non-polar, with glutamic acid, which is acidic and polar, at codon 424 of the L2HGDH protein (p.Gly424Glu).

Blueprint Genetics
Classification: Uncertain significance. Last evaluated: 2021-08-11. Review status: criteria provided, single submitter. Criteria: ACMG Guidelines, 2015. Collection method: clinical testing. Allele origin: germline.